The following is an entry in ClinVar:

NM_000092.5(COL4A4):c.2532T>A (p.Tyr844Ter)

Gene: COL4A4 (collagen type IV alpha 4 chain; minus strand). Cytogenetic location: 2q36.3.
Variant type: single nucleotide variant.
Coding change: c.2532T>A on transcript NM_000092.5 (MANE Select); coding-DNA position 2532, T replaced by A.
Protein change: p.Tyr844Ter; replaces tyrosine 844 with a stop codon.
Molecular consequence: nonsense.
Genome position (GRCh38, 1-based): chr2:227,057,452, A>T on the plus strand (T>A on the coding strand, the complement: COL4A4 is on the minus strand). VCF-style: chr2-227057452-A-T. GRCh37 (hg19) VCF-style: chr2-227922168-A-T.
Other names: short protein forms Y844*.
Identifiers: ClinVar variation 1725420 (VCV001725420.2), dbSNP rs2474161328, ClinGen allele CA350841186.

ClinVar aggregate classification (germline): Likely pathogenic (1 of 4 stars; one submission).

Conditions:
Autosomal recessive Alport syndrome (ATS2). Also called: COL4A3-Related Nephropathy; COL4A4 Alport Syndrome and Thin Basement Membrane Nephropathy; ALPORT SYNDROME 2, AUTOSOMAL RECESSIVE; Alport syndrome type 2. Identifiers: Orphanet 63, Orphanet 88919, MedGen C4746745, MONDO:0008762, OMIM 203780.

Submission:

Myriad Genetics, Inc.
Classification: Likely pathogenic for Autosomal recessive Alport syndrome. Last evaluated: 2022-03-20. Review status: criteria provided, single submitter. Criteria: Myriad Women's Health Autosomal Recessive and X-Linked Classification Criteria (2021). Collection method: clinical testing. Allele origin: unknown.
Comment: NM_000092.4(COL4A4):c.2532T>A(Y844*) is expected to be pathogenic in the context of COL4A4-related Alport syndrome. This variant is predicted to lead to an abnormal or absent protein product due to the creation of a premature termination codon in COL4A4, a gene where loss-of-function variants are known to be pathogenic. Please note: this variant was assessed in the context of healthy population screening.